The following is an entry in ClinVar:

ClinVar aggregate classification (germline): Uncertain significance (1 of 4 stars; one submission).

Submission:

Ambry Genetics
Classification: Uncertain significance. Last evaluated: 2023-11-20. Review status: criteria provided, single submitter. Criteria: Ambry Variant Classification Scheme 2023. Collection method: clinical testing. Allele origin: germline.
Comment: The c.1640-3T>C intronic variant results from a T to C substitution 3 nucleotides upstream from coding exon 17 in the KIF1B gene. This nucleotide position is well conserved in available vertebrate species. In silico splice site analysis predicts that this alteration will not have any significant effect on splicing. The evidence for this gene-disease relationship is limited; therefore, the clinical significance of this alteration is unclear.

NM_001365951.3(KIF1B):c.1778-3T>C

Gene: KIF1B (kinesin family member 1B; plus strand). Cytogenetic location: 1p36.22.
Variant type: single nucleotide variant.
Coding change: c.1778-3T>C on transcript NM_001365951.3 (MANE Select); 3 bases into the intron before coding-DNA position 1778, T replaced by C.
Molecular consequence: intron variant.
Genome position (GRCh38, 1-based): chr1:10,296,579, T>C. VCF-style: chr1-10296579-T-C. GRCh37 (hg19) VCF-style: chr1-10356637-T-C.
Other names: c.1640-3T>C (NM_183416.4, NM_015074.3, NM_001365953.1); c.1778-3T>C (NM_001365952.1).
Identifiers: ClinVar variation 3226364 (VCV003226364.1), dbSNP rs2521397255, ClinGen allele CA2742422521.
Genomic context (GRCh38, chr1:10,296,579, plus strand): 5'-CTTTCCATTATTTGATTCCAATAGTTTGTAATGATAACATTAGTTTGTGTTTGTTCCTCT[T>C]AGTTATCGTGACCTTAGAGCCCTGTGAGCGCTCAGAAACCTACGTAAATGGCAAGAGGGT-3'